The following is an entry in ClinVar:

ClinVar aggregate classification (germline): Uncertain significance (1 of 4 stars; one submission).

Allele frequency attached by ClinVar (database versions not stated): gnomAD exomes below 0.00001 and 0.00001; ExAC 0.00001.
gnomAD v4.1: 2 of 1,613,948 alleles (0.00012%); highest among the groups gnomAD compares: Admixed American, 0.0033%; no homozygotes.

Submission:

Labcorp Genetics (formerly Invitae), Labcorp
Classification: Uncertain significance. Last evaluated: 2022-06-20. Review status: criteria provided, single submitter. Criteria: Invitae Variant Classification Sherloc (09022015). Collection method: clinical testing. Allele origin: germline.
Comment: In summary, the available evidence is currently insufficient to determine the role of this variant in disease. Therefore, it has been classified as a Variant of Uncertain Significance. Advanced modeling of protein sequence and biophysical properties (such as structural, functional, and spatial information, amino acid conservation, physicochemical variation, residue mobility, and thermodynamic stability) performed at Invitae indicates that this missense variant is not expected to disrupt KCNV2 protein function. This variant has not been reported in the literature in individuals affected with KCNV2-related conditions. This variant is present in population databases (rs778822772, gnomAD 0.007%). This sequence change replaces tyrosine, which is neutral and polar, with cysteine, which is neutral and slightly polar, at codon 464 of the KCNV2 protein (p.Tyr464Cys).

NM_133497.4(KCNV2):c.1391A>G (p.Tyr464Cys)

Gene: KCNV2 (potassium voltage-gated channel modifier subfamily V member 2; plus strand). Cytogenetic location: 9p24.2.
Variant type: single nucleotide variant.
Coding change: c.1391A>G on transcript NM_133497.4 (MANE Select); coding-DNA position 1391, A replaced by G.
Protein change: p.Tyr464Cys; replaces tyrosine 464 with cysteine.
Molecular consequence: missense variant.
Genome position (GRCh38, 1-based): chr9:2,729,480, A>G. VCF-style: chr9-2729480-A-G. GRCh37 (hg19) VCF-style: chr9-2729480-A-G.
Other names: short protein forms Y464C.
Identifiers: ClinVar variation 1411556 (VCV001411556.6), dbSNP rs778822772, ClinGen allele CA4965910.